The following is an entry in ClinVar:

ClinVar aggregate classification (germline): Uncertain significance (1 of 4 stars; one submission).

Conditions:
Werner syndrome (WRN). Identifiers: Orphanet 902, MedGen C0043119, MONDO:0010196, OMIM 277700.

Submission:

Labcorp Genetics (formerly Invitae), Labcorp
Classification: Uncertain significance for Werner syndrome. Last evaluated: 2025-11-13. Review status: criteria provided, single submitter. Criteria: Invitae Variant Classification Sherloc (09022015). Collection method: clinical testing. Allele origin: germline.
Comment: This variant, c.2335_2337del, results in the deletion of 1 amino acid(s) of the WRN protein (p.Gln779del), but otherwise preserves the integrity of the reading frame. This variant is present in population databases (no rsID available, gnomAD 0.0009%). This variant has not been reported in the literature in individuals affected with WRN-related conditions. ClinVar contains an entry for this variant (Variation ID: 639533). Experimental studies and prediction algorithms are not available or were not evaluated, and the functional significance of this variant is currently unknown. In summary, the available evidence is currently insufficient to determine the role of this variant in disease. Therefore, it has been classified as a Variant of Uncertain Significance.

NM_000553.6(WRN):c.2332CAA[1] (p.Gln779del)

Gene: WRN (WRN RecQ like helicase; plus strand). Cytogenetic location: 8p12.
Variant type: Microsatellite.
Coding change: c.2332CAA[1] on transcript NM_000553.6 (MANE Select); one copy of the 3-base unit CAA starting at c.2332; the reference has two copies in a row; one copy, 3 bases deleted; also written c.2335_2337del.
Protein change: p.Gln779del; deletes glutamine 779.
Molecular consequence: inframe deletion.
Genome position (GRCh38, 1-based): chr8:31,116,415-31,116,417, CAA deleted; deleting any 3 consecutive bases within chr8:31,116,411-31,116,417 gives the same sequence; the position shown is the placement nearest the transcript's 3' end. VCF-style (leftmost placement, unchanged base first): chr8-31116410-CACA-C. GRCh37 (hg19) VCF-style: chr8-30973926-CACA-C.
Other names: c.2335_2337del (NM_000553.4); short protein forms Q779del.
Identifiers: ClinVar variation 639533 (VCV000639533.7), dbSNP rs1266745530, ClinGen allele CA581428554.
Genomic context (GRCh38, chr8:31,116,410, plus strand): 5'-TTAGTTCCCACTGGGAATTTGAAGGTCCAACAATCATCTACTGTCCTTCTAGAAAAATGA[CACA>C]ACAAGTTACAGGTGAACTTAGGAAACTGAATCTATCCTGTGGAACATACCATGCGGGCAT-3'